The following is an entry in ClinVar:

NM_001330588.2(TPP2):c.3121C>G (p.Leu1041Val)

Gene: TPP2 (tripeptidyl peptidase 2; plus strand). Cytogenetic location: 13q33.1.
Variant type: single nucleotide variant.
Coding change: c.3121C>G on transcript NM_001330588.2 (MANE Select); coding-DNA position 3121, C replaced by G.
Protein change: p.Leu1041Val; replaces leucine 1041 with valine.
Molecular consequence: missense variant. On other transcripts: non-coding transcript variant (1).
Genome position (GRCh38, 1-based): chr13:102,657,185, C>G. VCF-style: chr13-102657185-C-G. GRCh37 (hg19) VCF-style: chr13-103309535-C-G.
Other names: c.3082C>G, p.Leu1028Val (NM_001367947.1, NM_003291.4); short protein forms L1041V, L1028V.
Identifiers: ClinVar variation 1978134 (VCV001978134.5), dbSNP rs2504072071, ClinGen allele CA388504170.
Genomic context (GRCh38, chr13:102,657,185, plus strand): 5'-GAAAAAGATTCAGAAAAAGAGAAAGATTTAAAAGAAGAGTTTACTGAAGCATTACGAGAT[C>G]TTAAAATTCAGTGGATGACAAAGTAGGTTTTTAAATGTATTTTAATTCTTTAAATGTTTA-3'
Protein context (NP_001317517.1, residues 1031-1051): KEEFTEALRD[Leu1041Val]KIQWMTKLDS

ClinVar aggregate classification (germline): Uncertain significance (1 of 4 stars; one submission).

Conditions:
Evans syndrome, immunodeficiency, and premature immunosenescence associated with tripeptidyl-peptidase II deficiency. Identifiers: MedGen CN231723. Disease mechanism: loss of function.

Submission:

Labcorp Genetics (formerly Invitae), Labcorp
Classification: Uncertain significance for Evans syndrome, immunodeficiency, and premature immunosenescence associated with tripeptidyl-peptidase II deficiency. Last evaluated: 2022-07-23. Review status: criteria provided, single submitter. Criteria: Invitae Variant Classification Sherloc (09022015). Collection method: clinical testing. Allele origin: germline.
Comment: This sequence change replaces leucine, which is neutral and non-polar, with valine, which is neutral and non-polar, at codon 1028 of the TPP2 protein (p.Leu1028Val). This variant is not present in population databases (gnomAD no frequency). This variant has not been reported in the literature in individuals affected with TPP2-related conditions. Algorithms developed to predict the effect of missense changes on protein structure and function are either unavailable or do not agree on the potential impact of this missense change (SIFT: "Deleterious"; PolyPhen-2: "Possibly Damaging"; Align-GVGD: "Class C0"). In summary, the available evidence is currently insufficient to determine the role of this variant in disease. Therefore, it has been classified as a Variant of Uncertain Significance.